The following is an entry in ClinVar:

NM_004655.4(AXIN2):c.2051C>T (p.Ala684Val)

Gene: AXIN2 (axin 2; minus strand). Cytogenetic location: 17q24.1.
Variant type: single nucleotide variant.
Coding change: c.2051C>T on transcript NM_004655.4 (MANE Select); coding-DNA position 2051, C replaced by T.
Protein change: p.Ala684Val; replaces alanine 684 with valine.
Molecular consequence: missense variant.
Genome position (GRCh38, 1-based): chr17:65,536,410, G>A on the plus strand (C>T on the coding strand, the complement: AXIN2 is on the minus strand). VCF-style: chr17-65536410-G-A. GRCh37 (hg19) VCF-style: chr17-63532528-G-A.
Other names: p.A684V:GCG>GTG; c.1856C>T, p.Ala619Val (NM_001363813.1); short protein forms A684V, A619V.
Identifiers: ClinVar variation 127941 (VCV000127941.84), dbSNP rs138287857, ClinGen allele CA288098.

ClinVar aggregate classification (germline): Conflicting classifications of pathogenicity. Review status: criteria provided, conflicting classifications (1 of 4 stars). 19 submissions from 19 submitters: Uncertain significance (1); Benign (3); Likely benign (13). 2 of the submissions do not count toward it. Last evaluated 2026-04-21.

Conditions:
AXIN2-related disorder.
Oligodontia-cancer predisposition syndrome. Also called: TOOTH AGENESIS-COLORECTAL CANCER SYNDROME. Identifiers: Orphanet 300576, MedGen C1837750, MONDO:0012075, OMIM 608615. Disease mechanism: loss of function.
Colorectal cancer. Also called: Malignant Colorectal Neoplasm; Colorectal cancer, somatic. Identifiers: MedGen C0346629, MONDO:0005575, OMIM 114500.
Hereditary cancer-predisposing syndrome. Also called: Tumor predisposition; Hereditary neoplastic syndrome; Neoplastic Syndromes, Hereditary; Hereditary Cancer Syndrome. Identifiers: Orphanet 140162, MedGen C0027672, MeSH D009386, MONDO:0015356.
Aganglionic megacolon (HSCR). Also called: Hirschsprung's disease; Hirschsprung disease. Identifiers: Orphanet 388, MedGen C0019569, MeSH D006627, MONDO:0018309, HP:0002251.

Allele frequency attached by ClinVar (database versions not stated): 1000 Genomes Project 0.00040; 1000 Genomes Project 30x 0.00047; TOPMed 0.00103; gnomAD 0.00108 and 0.00112; ESP Exome Variant Server 0.00138; gnomAD exomes 0.00160 and 0.00177; ExAC 0.00187.
gnomAD v4.1: 2,753 of 1,613,800 alleles (0.17%); highest among the groups gnomAD compares: Non-Finnish European, 0.19%; 6 homozygotes.

Submissions (19):

Dasa
Classification: Likely benign. Last evaluated: 2026-04-21. Review status: criteria provided, single submitter. Criteria: DASA Assertion Criteria. Collection method: clinical testing. Allele origin: germline.
Comment: NM_004655.4(AXIN2):c.2051C>T (p.Ala684Val) is a missense variant that results in the substitution of alanine with valine. Population frequency is inconsistent with a disease-causing role for this variant, and the variant context is inconsistent with a known disease-causing mechanism. Therefore, based on the currently available evidence, this variant is classified as likely benign.

CeGaT Center for Human Genetics Tuebingen
Classification: Likely benign. Last evaluated: 2026-03-01. Review status: criteria provided, single submitter. Criteria: CeGaT Center For Human Genetics Tuebingen Variant Classification Criteria Version 2. Collection method: clinical testing. Allele origin: germline. Affected: yes. Observed: 21 variant alleles.
Comment: AXIN2: BP4, BS1

Labcorp Genetics (formerly Invitae), Labcorp
Classification: Benign for Oligodontia-cancer predisposition syndrome. Last evaluated: 2026-02-03. Review status: criteria provided, single submitter. Criteria: Invitae Variant Classification Sherloc (09022015). Collection method: clinical testing. Allele origin: germline.

Center for Genomic Medicine, Rigshospitalet, Copenhagen University Hospital
Classification: Uncertain significance. Last evaluated: 2025-12-29. Review status: criteria provided, single submitter. Criteria: ACMG Guidelines, 2015. Collection method: clinical testing. Allele origin: germline.

Quest Diagnostics Nichols Institute San Juan Capistrano
Classification: Benign. Last evaluated: 2025-11-05. Review status: criteria provided, single submitter. Criteria: Quest Diagnostics criteria. Collection method: clinical testing. Allele origin: unknown.

Mayo Clinic Laboratories, Mayo Clinic
Classification: Likely benign. Last evaluated: 2025-08-30. Review status: criteria provided, single submitter. Criteria: ACMG Guidelines, 2015. Collection method: clinical testing. Allele origin: germline. Observed: 2 variant alleles.
Comment: BS1, BP4

ARUP Laboratories, Molecular Genetics and Genomics, ARUP Laboratories
Classification: Likely benign. Last evaluated: 2025-04-24. Review status: criteria provided, single submitter. Criteria: ARUP Molecular Germline Variant Investigation Process 2024. Collection method: clinical testing. Allele origin: germline.

Myriad Genetics, Inc.
Classification: Likely benign for Oligodontia-cancer predisposition syndrome. Last evaluated: 2025-01-16. Review status: criteria provided, single submitter. Criteria: Myriad Autosomal Dominant, Autosomal Recessive and X-Linked Classification Criteria (2023). Collection method: clinical testing. Allele origin: unknown.
Comment: This variant is considered likely benign. This variant has been observed at a population frequency that is significantly greater than expected given the associated disease prevalence and penetrance.

Blueprint Genetics
Classification: Likely benign. Last evaluated: 2024-11-13. Review status: criteria provided, single submitter. Criteria: ACMG Guidelines, 2015. Collection method: clinical testing. Allele origin: germline.

Department of Pathology and Laboratory Medicine, Sinai Health System
Classification: Likely benign for oligodontia-cancer predisposition syndrome. Last evaluated: 2023-01-05. Review status: criteria provided, single submitter. Criteria: ACMG Guidelines, 2015. Collection method: clinical testing. Allele origin: germline. Affected: no.

Fulgent Genetics
Classification: Likely benign for Colorectal cancer; Oligodontia-cancer predisposition syndrome. Last evaluated: 2022-03-04. Review status: criteria provided, single submitter. Criteria: ACMG Guidelines, 2015. Collection method: clinical testing. Allele origin: unknown.

Sema4
Classification: Likely benign for Hereditary cancer-predisposing syndrome. Last evaluated: 2021-03-24. Review status: criteria provided, single submitter. Criteria: Sema4 Curation Guidelines. Collection method: curation. Allele origin: germline.

Ambry Genetics
Classification: Likely benign for Hereditary cancer-predisposing syndrome. Last evaluated: 2019-09-09. Review status: criteria provided, single submitter. Criteria: Ambry Variant Classification Scheme 2023. Collection method: clinical testing. Allele origin: germline.

Women's Health and Genetics/Laboratory Corporation of America, LabCorp
Classification: Benign. Last evaluated: 2019-02-15. Review status: criteria provided, single submitter. Criteria: LabCorp Variant Classification Summary - May 2015. Collection method: clinical testing. Allele origin: germline.
Comment: Variant summary: AXIN2 c.2051C>T (p.Ala684Val) results in a non-conservative amino acid change in the encoded protein sequence. Three of five in-silico tools predict a benign effect of the variant on protein function. The variant allele was found at a frequency of 0.0016 in 274154 control chromosomes. The observed variant frequency is approximately 11 fold of the estimated maximal expected allele frequency for a pathogenic variant in AXIN2 causing Colorectal Cancer phenotype (0.00014), strongly suggesting that the variant is benign. c.2051C>T has been reported in the literature in individuals affected with non-sydromic isolated oligodontia, bicuspid aortic valve, colorectal cancer, cutaneous melanoma (Bergendal_2011, Bonachea_2014, Rohlin_2017, Pritchard_2018). These reports do not provide unequivocal conclusions about association of the variant with Colorectal Cancer. Co-occurrence with other pathogenic variant has been reported (DNMT3A c.2645G>A, p.Arg882His), providing supporting evidence for a benign role. To our knowledge, no experimental evidence demonstrating an impact on protein function has been reported. Four clinical diagnostic laboratories have submitted clinical-significance assessments for this variant to ClinVar after 2014 without evidence for independent evaluation. All laboratories classified the variant as benign/likely benign (1x benign, 3x likely benign). Based on the evidence outlined above, the variant was classified as benign.

GeneDx
Classification: Likely benign. Last evaluated: 2017-12-21. Review status: criteria provided, single submitter. Criteria: GeneDx Variant Classification (06012015). Collection method: clinical testing. Allele origin: germline. Affected: yes.
Comment: This variant is considered likely benign or benign based on one or more of the following criteria: it is a conservative change, it occurs at a poorly conserved position in the protein, it is predicted to be benign by multiple in silico algorithms, and/or has population frequency not consistent with disease.

CSER _CC_NCGL, University of Washington
Classification: Likely benign for Colorectal cancer. Last evaluated: 2017-11-01. Review status: criteria provided, single submitter. Criteria: Amendola et al. (Genome Res. 2015). Collection method: research. Allele origin: germline. Affected: yes. Study: CSER - NEXT Medicine variant annotation.
Comment: This interpretation considers GERP score and allele frequency data, in addition to published reports of the variant in the literature, available at the time of review.

Illumina Laboratory Services, Illumina
Classification: Likely benign for Oligodontia-cancer predisposition syndrome. Last evaluated: 2017-04-27. Review status: criteria provided, single submitter. Criteria: ICSL Variant Classification Criteria 13 December 2019. Collection method: clinical testing. Allele origin: germline.
Comment: This variant was observed as part of a predisposition screen in an ostensibly healthy population. A literature search was performed for the gene, cDNA change, and amino acid change (where applicable). Publications were found based on this search. The evidence from the literature, in combination with allele frequency data from public databases where available, was sufficient to determine this variant is unlikely to cause disease. Therefore, this variant is classified as likely benign.

PreventionGenetics, part of Exact Sciences
Classification: Likely benign for AXIN2-related condition. Last evaluated: 2020-02-26. Review status: no assertion criteria provided. Collection method: clinical testing. Allele origin: germline. Not counted in ClinVar's aggregate classification.
Comment: This variant is classified as likely benign based on ACMG/AMP sequence variant interpretation guidelines (Richards et al. 2015 PMID: 25741868, with internal and published modifications).

Human Genomics Unit, Institute for molecular medicine Finland (FIMM)
Classification: Likely pathogenic for Hirschsprung disease. Review status: no assertion criteria provided. Collection method: research. Allele origin: unknown. Affected: yes. Observed: 1 variant allele. Not counted in ClinVar's aggregate classification.

Literature cited by the submitters: PubMed 21626677 (cited by 5 submitters); PubMed 27696107 (cited by 5 submitters); PubMed 29641532 (cited by 3 submitters); PubMed 25260786 (cited by 3 submitters); PubMed 24581859 (cited by Quest Diagnostics Nichols Institute San Juan Capistrano).